The following is an entry in ClinVar:

NM_001252078.2(USP15):c.1572T>C (p.Asp524=)

Gene: USP15 (ubiquitin specific peptidase 15; plus strand). Cytogenetic location: 12q14.1.
Variant type: single nucleotide variant.
Coding change: c.1572T>C on transcript NM_001252078.2 (MANE Select); coding-DNA position 1572, T replaced by C.
Protein change: p.Asp524=; no amino-acid change (aspartic acid 524 retained).
Molecular consequence: synonymous variant. On other transcripts: non-coding transcript variant (5).
Genome position (GRCh38, 1-based): chr12:62,389,619, T>C. VCF-style: chr12-62389619-T-C. GRCh37 (hg19) VCF-style: chr12-62783399-T-C.
Other names: c.1209T>C, p.Asp403= (NM_001351159.2); c.825T>C, p.Asp275= (NM_001351160.2); c.573T>C, p.Asp191= (NM_001351163.2, NM_001351164.2, NM_001351165.2 and 1 more transcripts); c.1485T>C, p.Asp495= (NM_006313.3).
Identifiers: ClinVar variation 3050545 (VCV003050545.2), dbSNP rs746675402, ClinGen allele CA6662775.

ClinVar aggregate classification (germline): Likely benign (0 of 4 stars; one submission).

Conditions:
USP15-related disorder. Also called: USP15-related condition.

Allele frequency attached by ClinVar (database versions not stated): ExAC 0.00001; gnomAD 0.00002; TOPMed 0.00004.
gnomAD v4.1: 81 of 1,612,534 alleles (0.005%); highest among the groups gnomAD compares: Non-Finnish European, 0.0063%; no homozygotes.

Submission:

PreventionGenetics, part of Exact Sciences
Classification: Likely benign for USP15-related condition. Last evaluated: 2019-07-18. Review status: no assertion criteria provided. Collection method: clinical testing. Allele origin: germline.
Comment: This variant is classified as likely benign based on ACMG/AMP sequence variant interpretation guidelines (Richards et al. 2015 PMID: 25741868, with internal and published modifications).